The following is an entry in ClinVar:

NM_002834.5(PTPN11):c.1330C>T (p.His444Tyr)

Gene: PTPN11 (protein tyrosine phosphatase non-receptor type 11; plus strand). Cytogenetic location: 12q24.13.
Variant type: single nucleotide variant.
Coding change: c.1330C>T on transcript NM_002834.5 (MANE Select); coding-DNA position 1330, C replaced by T.
Protein change: p.His444Tyr; replaces histidine 444 with tyrosine.
Molecular consequence: missense variant.
Genome position (GRCh38, 1-based): chr12:112,486,580, C>T. VCF-style: chr12-112486580-C-T. GRCh37 (hg19) VCF-style: chr12-112924384-C-T.
Other names: c.1342C>T, p.His448Tyr (NM_001330437.2); c.1327C>T, p.His443Tyr (NM_001374625.1); c.1330C>T, p.His444Tyr (NM_080601.3); short protein forms H443Y, H444Y, H448Y.
Identifiers: ClinVar variation 3774010 (VCV003774010.2).

ClinVar aggregate classification (germline): Uncertain significance (1 of 4 stars; one submission).

Submission:

GeneDx
Classification: Uncertain significance. Last evaluated: 2026-08-13. Review status: criteria provided, single submitter. Criteria: GeneDx Variant Classification Process June 2021. Collection method: clinical testing. Allele origin: germline.
Comment: Not observed at significant frequency in large population cohorts (gnomAD); Missense variants in this gene are a common cause of disease and they are underrepresented in the general population; In silico analysis suggests that this missense variant does not alter protein structure/function; Has not been previously published as pathogenic or benign to our knowledge; This variant is associated with the following publications: (PMID: 29493581)